The following is an entry in ClinVar:

NM_012073.5(CCT5):c.440A>G (p.His147Arg)

Gene: CCT5 (chaperonin containing TCP1 subunit 5; plus strand). Cytogenetic location: 5p15.2.
Variant type: single nucleotide variant.
Coding change: c.440A>G on transcript NM_012073.5 (MANE Select); coding-DNA position 440, A replaced by G.
Protein change: p.His147Arg; replaces histidine 147 with arginine.
Molecular consequence: missense variant.
Genome position (GRCh38, 1-based): chr5:10,256,063, A>G. VCF-style: chr5-10256063-A-G. GRCh37 (hg19) VCF-style: chr5-10256175-A-G.
Other names: c.377A>G, p.His126Arg (NM_001306153.1); c.275A>G, p.His92Arg (NM_001306154.2); c.161A>G, p.His54Arg (NM_001306155.2); c.326A>G, p.His109Arg (NM_001306156.2); c.440A>G (NM_012073.4); short protein forms H147R, H126R, H54R, H92R, H109R.
Identifiers: ClinVar variation 1327 (VCV000001327.21), dbSNP rs118203986, ClinGen allele CA114935.

ClinVar aggregate classification (germline): Uncertain significance. Review status: criteria provided, multiple submitters, no conflicts (2 of 4 stars). 6 submissions from 6 submitters: Uncertain significance (4). 2 of the submissions do not count toward it. Last evaluated 2025-10-01.

Conditions:
CCT5-related disorder. Also called: CCT5-related condition.
Hereditary sensory and autonomic neuropathy with spastic paraplegia (HSNSP). Identifiers: Orphanet 139578, MedGen C1850395, MONDO:0009748, OMIM 256840.

Allele frequency attached by ClinVar (database versions not stated): ExAC 0.00004; gnomAD exomes 0.00006 and 0.00010; gnomAD 0.00040; 1000 Genomes Project 0.00060; 1000 Genomes Project 30x 0.00062; TOPMed 0.00075.

Submissions (6):

Labcorp Genetics (formerly Invitae), Labcorp
Classification: Uncertain significance for Hereditary sensory and autonomic neuropathy with spastic paraplegia. Last evaluated: 2025-10-01. Review status: criteria provided, single submitter. Criteria: Invitae Variant Classification Sherloc (09022015). Collection method: clinical testing. Allele origin: germline.
Comment: This sequence change replaces histidine, which is basic and polar, with arginine, which is basic and polar, at codon 147 of the CCT5 protein (p.His147Arg). This variant is present in population databases (rs118203986, gnomAD 0.06%), and has an allele count higher than expected for a pathogenic variant. This missense change has been observed in individual(s) with autosomal recessive mutilating sensory neuropathy with spastic paraplegia (PMID: 16399879). ClinVar contains an entry for this variant (Variation ID: 1327). Invitae Evidence Modeling of protein sequence and biophysical properties (such as structural, functional, and spatial information, amino acid conservation, physicochemical variation, residue mobility, and thermodynamic stability) indicates that this missense variant is not expected to disrupt CCT5 protein function with a negative predictive value of 80%. Experimental studies are conflicting or provide insufficient evidence to determine the effect of this variant on CCT5 function (PMID: 25124038, 25345891, 28623285, 29552646). In summary, the available evidence is currently insufficient to determine the role of this variant in disease. Therefore, it has been classified as a Variant of Uncertain Significance.

GeneDx
Classification: Uncertain significance. Last evaluated: 2024-11-13. Review status: criteria provided, single submitter. Criteria: GeneDx Variant Classification Process June 2021. Collection method: clinical testing. Allele origin: germline. Affected: yes.
Comment: The H147R variant in the CCT5 gene has been reported previously in the homozygous state in four brothers with mutilating sensory neuropathy and spastic paraplegia (Bouhouche et al., 2006). The H147R variant is observed in 21/34414 (0.06%) alleles from individuals of Latino background, in large population cohorts and no individuals were reported to be homozygous (Lek et al., 2016). The H147R variant is a conservative amino acid substitution, which is not likely to impact secondary protein structure as these residues share similar properties. In vitro assays demonstrated that although H147R did not cause a major defect in chaperonin structure and hydrolyzed ATP with similar efficiency to the wild type cells, H147R transfected cells showed a significant reduction in chaperone activity (Sergeeva et al., 2014). We interpret H147R as a likely pathogenic variant.

Blueprint Genetics
Classification: Uncertain significance. Last evaluated: 2024-09-13. Review status: criteria provided, single submitter. Criteria: ACMG Guidelines, 2015. Collection method: clinical testing. Allele origin: germline.

Illumina Laboratory Services, Illumina
Classification: Uncertain significance for Hereditary sensory and autonomic neuropathy with spastic paraplegia. Last evaluated: 2017-04-27. Review status: criteria provided, single submitter. Criteria: ICSL Variant Classification Criteria 13 December 2019. Collection method: clinical testing. Allele origin: germline.
Comment: This variant was observed as part of a predisposition screen in an ostensibly healthy population. A literature search was performed for the gene, cDNA change, and amino acid change (where applicable). Publications were found based on this search. However, the evidence from the literature, in combination with allele frequency data from public databases where available, was not sufficient to rule this variant in or out of causing disease. Therefore, this variant is classified as a variant of unknown significance.

PreventionGenetics, part of Exact Sciences
Classification: Uncertain significance for CCT5-related condition. Last evaluated: 2024-01-04. Review status: no assertion criteria provided. Collection method: clinical testing. Allele origin: germline. Not counted in ClinVar's aggregate classification.
Comment: The CCT5 c.440A>G variant is predicted to result in the amino acid substitution p.His147Arg. This variant has been reported in the homozygous state in multiple family members with neuropathy and spastic paraplegia (Figure 1, Bouhouche et al. 2006. PubMed ID: 16399879). This variant is reported in 0.056% of alleles in individuals of Latino descent in gnomAD. The results of in vitro experimental studies of this variant are inconclusive (Sergeeva et al. 2014. PubMed ID: 25124038; Min et al. 2014. PubMed ID: 25345891; Pereira et al. 2017. PubMed ID: 28623285; Spigolon et al. 2017. PubMed ID: 29552646). Although we suspect that this variant may be pathogenic, at this time, the clinical significance of this variant is uncertain due to the absence of conclusive functional and genetic evidence.

OMIM
Classification: Pathogenic for NEUROPATHY, HEREDITARY SENSORY, WITH SPASTIC PARAPLEGIA, AUTOSOMAL RECESSIVE (1 family). Last evaluated: 2006-05-01. Review status: no assertion criteria provided. Collection method: literature only. Allele origin: germline. Not counted in ClinVar's aggregate classification.

Literature cited by the submitters: PubMed 16399879 (cited by 3 submitters); PubMed 25124038 (cited by 3 submitters); PubMed 25345891 (cited by 3 submitters); PubMed 28623285 (cited by Labcorp Genetics (formerly Invitae), Labcorp and OMIM); PubMed 29552646 (cited by Labcorp Genetics (formerly Invitae), Labcorp and OMIM).